The following is an entry in ClinVar:

NM_031935.3(HMCN1):c.12659C>T (p.Pro4220Leu)

Gene: HMCN1 (hemicentin 1; plus strand). Cytogenetic location: 1q31.1.
Variant type: single nucleotide variant.
Coding change: c.12659C>T on transcript NM_031935.3 (MANE Select); coding-DNA position 12659, C replaced by T.
Protein change: p.Pro4220Leu; replaces proline 4220 with leucine.
Molecular consequence: missense variant.
Genome position (GRCh38, 1-based): chr1:186,125,763, C>T. VCF-style: chr1-186125763-C-T. GRCh37 (hg19) VCF-style: chr1-186094895-C-T.
Other names: c.12659C>T (NM_031935.2); short protein forms P4220L.
Identifiers: ClinVar variation 1969332 (VCV001969332.6), dbSNP rs373377439, ClinGen allele CA1294417.
Genomic context (GRCh38, chr1:186,125,763, plus strand): 5'-TTAACTGGAAAAAAGACAATGTTCTTTTAGCTAACTTGTTAGGAAAATACACTGCTGAAC[C>T]ATATGGAGAACTCATTTTAGAAAATGTTGTGGTAAGTTTAATGGACGTGAACAGATACAT-3'
Protein context (NP_114141.2, residues 4210-4230): ANLLGKYTAE[Pro4220Leu]YGELILENVV

ClinVar aggregate classification (germline): Uncertain significance. Review status: criteria provided, multiple submitters, no conflicts (2 of 4 stars). 2 submissions from 2 submitters: Uncertain significance (2). Last evaluated 2025-04-08.

Allele frequency attached by ClinVar (database versions not stated): gnomAD exomes below 0.00001; ExAC 0.00001; ESP Exome Variant Server 0.00008.
gnomAD v4.1: 1 of 1,613,116 alleles (0.000062%); highest among the groups gnomAD compares: Non-Finnish European, 0.000085%; no homozygotes.

Submissions (2):

Ambry Genetics
Classification: Uncertain significance. Last evaluated: 2025-04-08. Review status: criteria provided, single submitter. Criteria: Ambry Variant Classification Scheme 2023. Collection method: clinical testing. Allele origin: germline.

Labcorp Genetics (formerly Invitae), Labcorp
Classification: Uncertain significance. Last evaluated: 2022-04-10. Review status: criteria provided, single submitter. Criteria: Invitae Variant Classification Sherloc (09022015). Collection method: clinical testing. Allele origin: germline.
Comment: This sequence change replaces proline, which is neutral and non-polar, with leucine, which is neutral and non-polar, at codon 4220 of the HMCN1 protein (p.Pro4220Leu). This variant is present in population databases (rs373377439, gnomAD 0.0009%). This variant has not been reported in the literature in individuals affected with HMCN1-related conditions. Algorithms developed to predict the effect of missense changes on protein structure and function (SIFT, PolyPhen-2, Align-GVGD) all suggest that this variant is likely to be disruptive. In summary, the available evidence is currently insufficient to determine the role of this variant in disease. Therefore, it has been classified as a Variant of Uncertain Significance.